The following is an entry in ClinVar:

ClinVar aggregate classification (germline): Likely pathogenic (1 of 4 stars; one submission).

Conditions:
Cerebral visual impairment and intellectual disability.

Submission:

Lupski Lab, Baylor-Hopkins CMG, Baylor College of Medicine
Classification: Likely pathogenic for Cerebral visual impairment and intellectual disability. Last evaluated: 2015-09-09. Review status: criteria provided, single submitter. Criteria: Bosch et al. (EJHG 2015). Collection method: research. Allele origin: de novo. Affected: yes. Observed: 1 variant allele, 1 heterozygote.
Comment: This study shows that diverse genetic causes underlie CVI.

NM_001100915.3(KCTD19):c.215C>A (p.Thr72Asn)

Gene: KCTD19 (potassium channel tetramerization domain containing 19; minus strand). Cytogenetic location: 16q22.1.
Variant type: single nucleotide variant.
Coding change: c.215C>A on transcript NM_001100915.3 (MANE Select); coding-DNA position 215, C replaced by A.
Protein change: p.Thr72Asn; replaces threonine 72 with asparagine.
Molecular consequence: missense variant.
Genome position (GRCh38, 1-based): chr16:67,320,674, G>T on the plus strand (C>A on the coding strand, the complement: KCTD19 is on the minus strand). VCF-style: chr16-67320674-G-T. GRCh37 (hg19) VCF-style: chr16-67354577-G-T.
Other names: short protein forms T72N.
Identifiers: ClinVar variation 224816 (VCV000224816.2), dbSNP rs869312866, ClinGen allele CA357918.